The following is an entry in ClinVar:

NM_005609.4(PYGM):c.407G>T (p.Gly136Val)

Gene: PYGM (glycogen phosphorylase, muscle associated; minus strand). Cytogenetic location: 11q13.1.
Variant type: single nucleotide variant.
Coding change: c.407G>T on transcript NM_005609.4 (MANE Select); coding-DNA position 407, G replaced by T.
Protein change: p.Gly136Val; replaces glycine 136 with valine.
Molecular consequence: missense variant. On other transcripts: intron variant (1).
Genome position (GRCh38, 1-based): chr11:64,758,454, C>A on the plus strand (G>T on the coding strand, the complement: PYGM is on the minus strand). VCF-style: chr11-64758454-C-A. GRCh37 (hg19) VCF-style: chr11-64525926-C-A.
Other names: c.244-188G>T (NM_001164716.1); short protein forms G136V.
Identifiers: ClinVar variation 3339925 (VCV003339925.2).
Genomic context (GRCh38, chr11:64,758,454, plus strand): 5'-GACCCCATCGGCCCACTCCACCCTCACGGCCCTGTCTTCTTACCTGCCAGCCGGCCCAGG[C>A]CCCCGTTGCCCAGCCCCGCATCCTCCTCAATTTCCTCCAGCTCCTCCATGTCCAGGCCCA-3'
Protein context (NP_005600.1, residues 126-146): IEEDAGLGNG[Gly136Val]LGRLAACFLD

ClinVar aggregate classification (germline): Uncertain significance. Review status: criteria provided, multiple submitters, no conflicts (2 of 4 stars). 2 submissions from 2 submitters: Uncertain significance (2). Last evaluated 2024-06-20.

Conditions:
Glycogen storage disease, type V (GSD5). Also called: MUSCLE GLYCOGEN PHOSPHORYLASE DEFICIENCY; MYOPHOSPHORYLASE DEFICIENCY; PYGM DEFICIENCY; MCARDLE DISEASE; McArdle type glycogen storage disease. Identifiers: Orphanet 368, MedGen C0017924, MONDO:0009293, OMIM 232600.

gnomAD v4.1: 1 of 1,613,892 alleles (0.000062%); highest among the groups gnomAD compares: Non-Finnish European, 0.000085%; no homozygotes.

Submissions (2):

Women's Health and Genetics/Laboratory Corporation of America, LabCorp
Classification: Uncertain significance. Last evaluated: 2024-06-20. Review status: criteria provided, single submitter. Criteria: LabCorp Variant Classification Summary - May 2015. Collection method: clinical testing. Allele origin: germline.
Comment: Variant summary: PYGM c.407G>T (p.Gly136Val) results in a non-conservative amino acid change in the encoded protein sequence. Five of five in-silico tools predict a damaging effect of the variant on protein function. The variant allele was found at a frequency of 4e-06 in 251194 control chromosomes. The available data on variant occurrences in the general population are insufficient to allow any conclusion about variant significance. To our knowledge, no occurrence of c.407G>T in individuals affected with Glycogen Storage Disease, Type V and no experimental evidence demonstrating its impact on protein function have been reported. No submitters have cited clinical-significance assessments for this variant to ClinVar. Based on the evidence outlined above, the variant was classified as uncertain significance.

Labcorp Genetics (formerly Invitae), Labcorp
Classification: Uncertain significance for Glycogen storage disease, type V. Last evaluated: 2024-03-01. Review status: criteria provided, single submitter. Criteria: Invitae Variant Classification Sherloc (09022015). Collection method: clinical testing. Allele origin: germline.
Comment: This sequence change replaces glycine, which is neutral and non-polar, with valine, which is neutral and non-polar, at codon 136 of the PYGM protein (p.Gly136Val). This variant is present in population databases (rs756547364, gnomAD 0.0009%). This variant has not been reported in the literature in individuals affected with PYGM-related conditions. Advanced modeling of protein sequence and biophysical properties (such as structural, functional, and spatial information, amino acid conservation, physicochemical variation, residue mobility, and thermodynamic stability) performed at Invitae indicates that this missense variant is expected to disrupt PYGM protein function with a positive predictive value of 95%. In summary, the available evidence is currently insufficient to determine the role of this variant in disease. Therefore, it has been classified as a Variant of Uncertain Significance.